The following is an entry in ClinVar:

NM_018718.3(CEP41):c.*1859G>T

Gene: CEP41 (centrosomal protein 41; minus strand). Cytogenetic location: 7q32.2.
Variant type: single nucleotide variant.
Coding change: c.*1859G>T on transcript NM_018718.3 (MANE Select); 1859 bases downstream of the stop codon, G replaced by T.
Molecular consequence: 3 prime UTR variant. On other transcripts: non-coding transcript variant (1).
Genome position (GRCh38, 1-based): chr7:130,397,032, C>A on the plus strand (G>T on the coding strand, the complement: CEP41 is on the minus strand). VCF-style: chr7-130397032-C-A. GRCh37 (hg19) VCF-style: chr7-130036873-C-A.
Other names: c.*1859G>T (NM_001257158.2, NM_001257159.2).
Identifiers: ClinVar variation 358921 (VCV000358921.6), dbSNP rs73152869, ClinGen allele CA4485232.
Genomic context (GRCh38, chr7:130,397,032, plus strand): 5'-TCAACTCCTGACAAGTCACCTTTAAAACAGCATAACCAGAACTTTCTTACAGAGAAAAAT[C>A]TTTTTTCCTTAAAAATGTATATGTGGCAAAAATGGCTGAAAATCTTGTCCATGCTAGGGG-3'

ClinVar aggregate classification (germline): Benign. Review status: criteria provided, multiple submitters, no conflicts (2 of 4 stars). 2 submissions from 2 submitters: Benign (2). Last evaluated 2018-01-12.

Conditions:
Joubert syndrome 15 (JBTS15). Identifiers: Orphanet 475, MedGen C3280897, MONDO:0013763, OMIM 614464.

Allele frequency attached by ClinVar (database versions not stated): 1000 Genomes Project 0.14756; 1000 Genomes Project 30x 0.14881; gnomAD exomes 0.15847 and 0.17919; TOPMed 0.16389; gnomAD 0.17056 and 0.17105; ExAC 0.19153.
gnomAD v4.1: 80,037 of 454,300 alleles (18%); highest among the groups gnomAD compares: Middle Eastern, 23%; 7,641 homozygotes.

Submissions (2):

Illumina Laboratory Services, Illumina
Classification: Benign for Joubert syndrome 15. Last evaluated: 2018-01-12. Review status: criteria provided, single submitter. Criteria: ICSL Variant Classification Criteria 13 December 2019. Collection method: clinical testing. Allele origin: germline.
Comment: This variant was observed in the ICSL laboratory as part of a predisposition screen in an ostensibly healthy population. It had not been previously curated by ICSL or reported in the Human Gene Mutation Database (HGMD: prior to June 1st, 2018), and was therefore a candidate for classification through an automated scoring system. Utilizing variant allele frequency, disease prevalence and penetrance estimates, and inheritance mode, an automated score was calculated to assess if this variant is too frequent to cause the disease. Based on the score and internal cut-off values, a variant classified as benign is not then subjected to further curation. The score for this variant resulted in a classification of benign for this disease.

Breakthrough Genomics
Classification: Benign. Review status: criteria provided, single submitter. Criteria: ACMG Guidelines, 2015. Collection method: not provided. Allele origin: germline. Inheritance: Autosomal recessive inheritance. Affected: yes.